The following is an entry in ClinVar:

ClinVar aggregate classification (germline): Uncertain significance. Review status: criteria provided, multiple submitters, no conflicts (2 of 4 stars). 6 submissions from 5 submitters: Uncertain significance (6). Last evaluated 2026-01-11.

Conditions:
Dilated cardiomyopathy 1GG (CMD1GG). Identifiers: Orphanet 154, MedGen C3150898, MONDO:0013339, OMIM 613642.
Neurodegeneration with ataxia and late-onset optic atrophy. Identifiers: MedGen C5543254, MONDO:0031006, OMIM 619259.
Mitochondrial complex II deficiency, nuclear type 1. Also called: SUCCINATE CoQ REDUCTASE DEFICIENCY. Identifiers: Orphanet 3208, MedGen C5700310, MONDO:0100294, OMIM 252011.
Pheochromocytoma/paraganglioma syndrome 5. Also called: SDHA-Related Hereditary Paraganglioma-Pheochromocytoma Syndrome; Paragangliomas 5. Identifiers: Orphanet 29072, MedGen C3279992, MONDO:0013602, OMIM 614165.
Hereditary cancer-predisposing syndrome. Also called: Neoplastic Syndromes, Hereditary; Hereditary Cancer Syndrome; Tumor predisposition; Hereditary neoplastic syndrome. Identifiers: Orphanet 140162, MedGen C0027672, MeSH D009386, MONDO:0015356.
Leigh syndrome (NULS). Also called: Leigh's syndrome; Leigh Syndrome (mtDNA deletion); Leigh Disease; Subacute necrotizing encephalopathy; Necrotizing encephalopathy infantile subacute of Leigh; LEIGH SYNDROME, NUCLEAR. Identifiers: Orphanet 506, MedGen C2931891, MONDO:0009723, OMIM 256000.

Allele frequency attached by ClinVar (database versions not stated): ExAC 0.00001; gnomAD exomes 0.00001; TOPMed 0.00002; gnomAD 0.00005; ESP Exome Variant Server 0.00008.
gnomAD v4.1: 27 of 1,608,946 alleles (0.0017%); highest among the groups gnomAD compares: Middle Eastern, 0.057%; no homozygotes.

Submissions (6):

Labcorp Genetics (formerly Invitae), Labcorp
Classification: Uncertain significance for Pheochromocytoma/paraganglioma syndrome 5; Mitochondrial complex II deficiency, nuclear type 1. Last evaluated: 2026-01-11. Review status: criteria provided, single submitter. Criteria: Invitae Variant Classification Sherloc (09022015). Collection method: clinical testing. Allele origin: germline.
Comment: This sequence change replaces alanine, which is neutral and non-polar, with threonine, which is neutral and polar, at codon 488 of the SDHA protein (p.Ala488Thr). This variant is present in population databases (rs369100772, gnomAD 0.008%). This variant has not been reported in the literature in individuals affected with SDHA-related conditions. ClinVar contains an entry for this variant (Variation ID: 412393). Invitae Evidence Modeling of protein sequence and biophysical properties (such as structural, functional, and spatial information, amino acid conservation, physicochemical variation, residue mobility, and thermodynamic stability) indicates that this missense variant is not expected to disrupt SDHA protein function with a negative predictive value of 95%. In summary, the available evidence is currently insufficient to determine the role of this variant in disease. Therefore, it has been classified as a Variant of Uncertain Significance.

Fulgent Genetics
Classification: Uncertain significance for Mitochondrial complex II deficiency, nuclear type 1; Dilated cardiomyopathy 1GG; Pheochromocytoma/paraganglioma syndrome 5; Neurodegeneration with ataxia and late-onset optic atrophy. Last evaluated: 2024-06-18. Review status: criteria provided, single submitter. Criteria: ACMG Guidelines, 2015. Collection method: clinical testing. Allele origin: germline.

Ambry Genetics
Classification: Uncertain significance for Hereditary cancer-predisposing syndrome. Last evaluated: 2024-04-26. Review status: criteria provided, single submitter. Criteria: Ambry Variant Classification Scheme 2023. Collection method: clinical testing. Allele origin: germline.
Comment: The p.A488T variant (also known as c.1462G>A), located in coding exon 11 of the SDHA gene, results from a G to A substitution at nucleotide position 1462. The alanine at codon 488 is replaced by threonine, an amino acid with similar properties. This amino acid position is highly conserved in available vertebrate species. In addition, the in silico prediction for this alteration is inconclusive. Based on the available evidence, the clinical significance of this variant remains unclear.

Baylor Genetics
Classification: Uncertain significance for Dilated cardiomyopathy 1GG. Last evaluated: 2023-05-18. Review status: criteria provided, single submitter. Criteria: ACMG Guidelines, 2015. Collection method: clinical testing. Allele origin: unknown.

Genomic Research Center, Shahid Beheshti University of Medical Sciences
Classification: Uncertain significance for Leigh syndrome. Last evaluated: 2018-08-07. Review status: criteria provided, single submitter. Criteria: ACMG Guidelines, 2015. Collection method: clinical testing. Allele origin: inherited. Affected: yes. Observed: 1 variant allele.

Genomic Research Center, Shahid Beheshti University of Medical Sciences
Classification: Uncertain significance for Mitochondrial complex II deficiency. Last evaluated: 2018-08-07. Review status: criteria provided, single submitter. Criteria: ACMG Guidelines, 2015. Collection method: clinical testing. Allele origin: inherited. Affected: yes. Observed: 1 variant allele.

NM_004168.4(SDHA):c.1462G>A (p.Ala488Thr)

Gene: SDHA (succinate dehydrogenase complex flavoprotein subunit A; plus strand). Cytogenetic location: 5p15.33.
Variant type: single nucleotide variant.
Coding change: c.1462G>A on transcript NM_004168.4 (MANE Select); coding-DNA position 1462, G replaced by A.
Protein change: p.Ala488Thr; replaces alanine 488 with threonine.
Molecular consequence: missense variant.
Genome position (GRCh38, 1-based): chr5:240,387, G>A. VCF-style: chr5-240387-G-A. GRCh37 (hg19) VCF-style: chr5-240502-G-A.
Other names: c.1318G>A, p.Ala440Thr (NM_001294332.2); c.1462G>A, p.Ala488Thr (NM_001330758.2); short protein forms A488T, A440T.
Identifiers: ClinVar variation 412393 (VCV000412393.20), dbSNP rs369100772, ClinGen allele CA3173259.